The following is an entry in ClinVar:

ClinVar aggregate classification (germline): Uncertain significance (1 of 4 stars; one submission).

Submission:

Labcorp Genetics (formerly Invitae), Labcorp
Classification: Uncertain significance. Last evaluated: 2025-05-13. Review status: criteria provided, single submitter. Criteria: Invitae Variant Classification Sherloc (09022015). Collection method: clinical testing. Allele origin: germline.
Comment: This sequence change creates a premature translational stop signal (p.Arg40Valfs*23) in the SHPK gene. It is expected to result in an absent or disrupted protein product. However, the current clinical and genetic evidence is not sufficient to establish whether loss-of-function variants in SHPK cause disease. This variant is not present in population databases (gnomAD no frequency). This variant has not been reported in the literature in individuals affected with SHPK-related conditions. ClinVar contains an entry for this variant (Variation ID: 2420233). Experimental studies and prediction algorithms are not available or were not evaluated, and the functional significance of this variant is currently unknown. In summary, the available evidence is currently insufficient to determine the role of this variant in disease. Therefore, it has been classified as a Variant of Uncertain Significance.

NM_013276.4(SHPK):c.118del (p.Arg40fs)

Gene: SHPK (sedoheptulokinase; minus strand). Cytogenetic location: 17p13.2.
Variant type: Deletion.
Coding change: c.118del on transcript NM_013276.4 (MANE Select); coding-DNA position 118, one base deleted (C; older notation c.118delC).
Protein change: p.Arg40fs; shifts the reading frame from arginine 40.
Molecular consequence: frameshift variant.
Genome position (GRCh38, 1-based): chr17:3,636,102, G deleted on the plus strand (C on the coding strand, the reverse complement: SHPK is on the minus strand); the first of 3 consecutive G bases (chr17:3,636,102-3,636,104); deleting any one gives the same sequence. VCF-style (leftmost placement, unchanged base first): chr17-3636101-CG-C. GRCh37 (hg19) VCF-style: chr17-3539395-CG-C.
Other names: short protein forms R40fs.
Identifiers: ClinVar variation 2420233 (VCV002420233.6), dbSNP rs1453291345, ClinGen allele CA728464963.
Genomic context (GRCh38, chr17:3,636,101, plus strand): 5'-GTCCAACTCACCTGGGGCCCGGCCACCGCGCTCTCGACCGCCGCCTCTGCCCGCGCAGCA[CG>C]GGCACAGCTCGCCAGCACTGCGAACCCGGATGGGTCGTCGGGCGCGGCCCTCAGCAGAGC-3'